The following is an entry in ClinVar:

NM_001267550.2(TTN):c.58732+8T>C

Genes: TTN (titin; minus strand), TTN-AS1 (TTN antisense RNA 1; plus strand). Cytogenetic location: 2q31.2.
Variant type: single nucleotide variant.
Coding change: c.58732+8T>C on transcript NM_001267550.2 (MANE Select); 8 bases into the intron after coding-DNA position 58732, T replaced by C.
Molecular consequence: intron variant.
Genome position (GRCh38, 1-based): chr2:178,593,560, A>G on the plus strand (T>C on the coding strand, the complement: TTN is on the minus strand). VCF-style: chr2-178593560-A-G. GRCh37 (hg19) VCF-style: chr2-179458287-A-G.
Other names: c.31537+8T>C (NM_003319.4); c.32113+8T>C (NM_133437.4); c.31912+8T>C (NM_133432.3); c.51028+8T>C (NM_133378.4); c.53809+8T>C (NM_001256850.1).
Identifiers: ClinVar variation 1567344 (VCV001567344.30), dbSNP rs2050707804, ClinGen allele CA1310540724.

ClinVar aggregate classification (germline): Conflicting classifications of pathogenicity. Review status: criteria provided, conflicting classifications (1 of 4 stars). 2 submissions from 2 submitters: Uncertain significance (1); Likely benign (1). Last evaluated 2024-02-01.

Conditions:
Dilated cardiomyopathy 1G (CMD1G). Identifiers: Orphanet 154, MedGen C1858763, MONDO:0011400, OMIM 604145.
Autosomal recessive limb-girdle muscular dystrophy type 2J (LGMDR10). Also called: MUSCULAR DYSTROPHY, LIMB-GIRDLE, AUTOSOMAL RECESSIVE 10; Limb-girdle muscular dystrophy, type 2J. Identifiers: Orphanet 140922, MedGen C1837342, MONDO:0012127, OMIM 608807.

Allele frequency attached by ClinVar (database versions not stated): TOPMed below 0.00001.

Submissions (2):

CeGaT Center for Human Genetics Tuebingen
Classification: Uncertain significance. Last evaluated: 2024-02-01. Review status: criteria provided, single submitter. Criteria: CeGaT Center For Human Genetics Tuebingen Variant Classification Criteria Version 2. Collection method: clinical testing. Allele origin: germline. Affected: yes. Observed: 2 variant alleles.
Comment: TTN: PM2, BP4

Labcorp Genetics (formerly Invitae), Labcorp
Classification: Likely benign for Dilated cardiomyopathy 1G; Autosomal recessive limb-girdle muscular dystrophy type 2J. Last evaluated: 2021-06-21. Review status: criteria provided, single submitter. Criteria: Invitae Variant Classification Sherloc (09022015). Collection method: clinical testing. Allele origin: germline.